The following is an entry in ClinVar:

NM_015978.3(TNNI3K):c.166A>T (p.Ser56Cys)

Genes: FPGT-TNNI3K (FPGT-TNNI3K readthrough; plus strand), TNNI3K (TNNI3 interacting kinase; plus strand). Cytogenetic location: 1p31.1.
Variant type: single nucleotide variant.
Coding change: c.166A>T on transcript NM_015978.3 (MANE Select); coding-DNA position 166, A replaced by T.
Protein change: p.Ser56Cys; replaces serine 56 with cysteine.
Molecular consequence: missense variant.
Genome position (GRCh38, 1-based): chr1:74,249,475, A>T. VCF-style: chr1-74249475-A-T. GRCh37 (hg19) VCF-style: chr1-74715159-A-T.
Other names: c.469A>T, p.Ser157Cys (NM_001112808.3, NM_001199327.2); short protein forms S56C, S157C.
Identifiers: ClinVar variation 2965020 (VCV002965020.3), dbSNP rs201179498, ClinGen allele CA24544261.
Genomic context (GRCh38, chr1:74,249,475, plus strand): 5'-CTAAAAGATGAATTTTGTGATCATCTGTAACATGTTTTTTTCAGCTCTGATGAAGCCTTC[A>T]GTAAAGTCAATTTAAATTACCGCACTGAAAATGGGCTGTCTCTACTTCATTTATGTTGCA-3'
Protein context (NP_057062.1, residues 46-66): RNIFGSDEAF[Ser56Cys]KVNLNYRTEN

ClinVar aggregate classification (germline): Uncertain significance (1 of 4 stars; one submission).

Allele frequency attached by ClinVar (database versions not stated): gnomAD 0.00001; gnomAD exomes 0.00001; TOPMed 0.00001.
gnomAD v4.1: 13 of 1,613,436 alleles (0.00081%); highest among the groups gnomAD compares: African/African-American, 0.0053%; no homozygotes.

Submission:

Labcorp Genetics (formerly Invitae), Labcorp
Classification: Uncertain significance. Last evaluated: 2024-01-02. Review status: criteria provided, single submitter. Criteria: Invitae Variant Classification Sherloc (09022015). Collection method: clinical testing. Allele origin: germline.
Comment: This sequence change replaces serine, which is neutral and polar, with cysteine, which is neutral and slightly polar, at codon 56 of the TNNI3K protein (p.Ser56Cys). This variant is present in population databases (rs201179498, gnomAD 0.0009%). This variant has not been reported in the literature in individuals affected with TNNI3K-related conditions. Advanced modeling of protein sequence and biophysical properties (such as structural, functional, and spatial information, amino acid conservation, physicochemical variation, residue mobility, and thermodynamic stability) performed at Invitae indicates that this missense variant is not expected to disrupt TNNI3K protein function with a negative predictive value of 80%. In summary, the available evidence is currently insufficient to determine the role of this variant in disease. Therefore, it has been classified as a Variant of Uncertain Significance.